The following is an entry in ClinVar:

NM_031935.3(HMCN1):c.13761_13763del (p.Ser4588del)

Gene: HMCN1 (hemicentin 1; plus strand). Cytogenetic location: 1q31.1.
Variant type: Deletion.
Coding change: c.13761_13763del on transcript NM_031935.3 (MANE Select); coding-DNA positions 13761 to 13763, 3 bases deleted (TAG; older notation c.13761_13763delTAG).
Protein change: p.Ser4588del; deletes serine 4588.
Molecular consequence: inframe deletion.
Genome position (GRCh38, 1-based): chr1:186,137,809-186,137,811, TAG deleted; deleting any 3 consecutive bases within chr1:186,137,808-186,137,811 gives the same sequence; the c. name uses the placement nearest the transcript's 3' end. VCF-style (leftmost placement, unchanged base first): chr1-186137807-GGTA-G. GRCh37 (hg19) VCF-style: chr1-186106939-GGTA-G.
Other names: short protein forms S4588del.
Identifiers: ClinVar variation 4729572 (VCV004729572.1).

ClinVar aggregate classification (germline): Uncertain significance (1 of 4 stars; one submission).

Submission:

Labcorp Genetics (formerly Invitae), Labcorp
Classification: Uncertain significance. Last evaluated: 2025-10-21. Review status: criteria provided, single submitter. Criteria: Invitae Variant Classification Sherloc (09022015). Collection method: clinical testing. Allele origin: germline.
Comment: This variant, c.13761_13763del, results in the deletion of 1 amino acid(s) of the HMCN1 protein (p.Ser4588del), but otherwise preserves the integrity of the reading frame. This variant is not present in population databases (gnomAD no frequency). This variant has not been reported in the literature in individuals affected with HMCN1-related conditions. Experimental studies and prediction algorithms are not available or were not evaluated, and the functional significance of this variant is currently unknown. In summary, the available evidence is currently insufficient to determine the role of this variant in disease. Therefore, it has been classified as a Variant of Uncertain Significance.